The following is an entry in ClinVar:

ClinVar aggregate classification (germline): Uncertain significance. Review status: criteria provided, single submitter (1 of 4 stars). 2 submissions from 2 submitters: Uncertain significance (1). 1 of the submissions does not count toward it. Last evaluated 2025-10-29.

Conditions:
Pulmonary fibrosis and/or bone marrow failure, Telomere-related, 3. Also called: PULMONARY FIBROSIS AND/OR BONE MARROW FAILURE SYNDROME, TELOMERE-RELATED, 3. Identifiers: Orphanet 2032, MedGen C4225346, MONDO:0014613, OMIM 616373.
Dyskeratosis congenita, autosomal recessive 5 (DKCB5). Identifiers: MedGen C3554656, MONDO:0014076, OMIM 615190.
Dyskeratosis congenita, autosomal dominant 1 (DKCA1). Also called: Dyskeratosis congenita Scoggins type. Identifiers: Orphanet 1775, MedGen C4551974, MONDO:0007485, OMIM 127550. Inheritance: Variable.

Allele frequency attached by ClinVar (database versions not stated): gnomAD exomes below 0.00001.
gnomAD v4.1: 1 of 1,612,922 alleles (0.000062%); highest among the groups gnomAD compares: East Asian, 0.0022%; no homozygotes.

Submissions (2):

Labcorp Genetics (formerly Invitae), Labcorp
Classification: Uncertain significance for Dyskeratosis congenita, autosomal recessive 5; Pulmonary fibrosis and/or bone marrow failure, Telomere-related, 3. Last evaluated: 2025-10-29. Review status: criteria provided, single submitter. Criteria: Invitae Variant Classification Sherloc (09022015). Collection method: clinical testing. Allele origin: germline.
Comment: This sequence change replaces serine, which is neutral and polar, with cysteine, which is neutral and slightly polar, at codon 300 of the RTEL1 protein (p.Ser300Cys). This variant is not present in population databases (gnomAD no frequency). This variant has not been reported in the literature in individuals affected with RTEL1-related conditions. ClinVar contains an entry for this variant (Variation ID: 661815). An algorithm developed to predict the effect of missense changes on protein structure and function (PolyPhen-2) suggests that this variant is likely to be disruptive. In summary, the available evidence is currently insufficient to determine the role of this variant in disease. Therefore, it has been classified as a Variant of Uncertain Significance.

Natera, Inc.
Classification: Uncertain significance for Autosomal dominant dyskeratosis congenita. Last evaluated: 2020-04-29. Review status: no assertion criteria provided. Collection method: clinical testing. Allele origin: germline. Not counted in ClinVar's aggregate classification.

NM_001283009.2(RTEL1):c.898A>T (p.Ser300Cys)

Genes: RTEL1 (regulator of telomere elongation helicase 1; plus strand), RTEL1-TNFRSF6B (RTEL1-TNFRSF6B readthrough (NMD candidate); plus strand). Cytogenetic location: 20q13.33.
Variant type: single nucleotide variant.
Coding change: c.898A>T on transcript NM_001283009.2 (MANE Select); coding-DNA position 898, A replaced by T.
Protein change: p.Ser300Cys; replaces serine 300 with cysteine.
Molecular consequence: missense variant. On other transcripts: non-coding transcript variant (1).
Genome position (GRCh38, 1-based): chr20:63,674,072, A>T. VCF-style: chr20-63674072-A-T. GRCh37 (hg19) VCF-style: chr20-62305425-A-T.
Other names: c.229A>T, p.Ser77Cys (NM_001283010.1); c.898A>T, p.Ser300Cys (NM_016434.4); c.970A>T, p.Ser324Cys (NM_032957.5); short protein forms S324C, S77C, S300C.
Identifiers: ClinVar variation 661815 (VCV000661815.6), dbSNP rs1601119963, ClinGen allele CA409673047.
Genomic context (GRCh38, chr20:63,674,072, plus strand): 5'-GACCAGGTGCTGGAGGAGCAGACCAAGGCAGCGCAGCAGGGTGAGCCCCACCCGGAGTTC[A>T]GCGCGGACTCCCCCAGCCCAGGTGCGTTCATAGCCAGACTGCTTGGTCCTGAGGCCTGCG-3'
Protein context (NP_001269938.1, residues 290-310): AQQGEPHPEF[Ser300Cys]ADSPSPGLNM